The following is an entry in ClinVar:

NC_000008.10:g.(?_101194532)_(101196884_?)del

Gene: SPAG1 (sperm associated antigen 1; plus strand). Cytogenetic location: 8q22.2.
Variant type: Deletion.
Identifiers: ClinVar variation 3245531 (VCV003245531.1).

ClinVar aggregate classification (germline): Pathogenic (1 of 4 stars; one submission).

Conditions:
Primary ciliary dyskinesia 28. Also called: CILIARY DYSKINESIA, PRIMARY, 28, WITH OR WITHOUT SITUS INVERSUS. Identifiers: Orphanet 244, MedGen C3809706, MONDO:0014216, OMIM 615505.

Submission:

Labcorp Genetics (formerly Invitae), Labcorp
Classification: Pathogenic for Primary ciliary dyskinesia 28. Last evaluated: 2018-11-08. Review status: criteria provided, single submitter. Criteria: Invitae Variant Classification Sherloc (09022015). Collection method: clinical testing. Allele origin: unknown.
Comment: For these reasons, this variant has been classified as Pathogenic. Loss-of-function variants in SPAG1 are known to be pathogenic (PMID: 24055112). This variant is a deletion of the genomic region encompassing exons 5-6 and part of exon 7 (c.427-1071_624del) of the SPAG1 gene. It is expected to disrupt RNA splicing and likely results in an absent or disrupted protein product.

Literature cited by the submitters: PubMed 24055112.